The following is an entry in ClinVar:

NM_014908.4(DOLK):c.971C>T (p.Ser324Phe)

Gene: DOLK (dolichol kinase; minus strand). Cytogenetic location: 9q34.11.
Variant type: single nucleotide variant.
Coding change: c.971C>T on transcript NM_014908.4 (MANE Select); coding-DNA position 971, C replaced by T.
Protein change: p.Ser324Phe; replaces serine 324 with phenylalanine.
Molecular consequence: missense variant.
Genome position (GRCh38, 1-based): chr9:128,946,333, G>A on the plus strand (C>T on the coding strand, the complement: DOLK is on the minus strand). VCF-style: chr9-128946333-G-A. GRCh37 (hg19) VCF-style: chr9-131708612-G-A.
Other names: short protein forms S324F.
Identifiers: ClinVar variation 2172008 (VCV002172008.4), dbSNP rs981981444, ClinGen allele CA200444713.

ClinVar aggregate classification (germline): Uncertain significance (1 of 4 stars; one submission).

Conditions:
DK1-congenital disorder of glycosylation. Also called: DK1-CDG; CONGENITAL DISORDER OF GLYCOSYLATION, TYPE Im; CDG Im; DK1 DEFICIENCY; DOLICHOL KINASE DEFICIENCY; DOLK-congenital disorder of glycosylation. Identifiers: Orphanet 91131, MedGen C1835849, MONDO:0012556, OMIM 610768.

Submission:

Labcorp Genetics (formerly Invitae), Labcorp
Classification: Uncertain significance for DK1-congenital disorder of glycosylation. Last evaluated: 2022-02-01. Review status: criteria provided, single submitter. Criteria: Invitae Variant Classification Sherloc (09022015). Collection method: clinical testing. Allele origin: germline.
Comment: In summary, the available evidence is currently insufficient to determine the role of this variant in disease. Therefore, it has been classified as a Variant of Uncertain Significance. Algorithms developed to predict the effect of missense changes on protein structure and function are either unavailable or do not agree on the potential impact of this missense change (SIFT: "Deleterious"; PolyPhen-2: "Benign"; Align-GVGD: "Class C0"). This variant has not been reported in the literature in individuals affected with DOLK-related conditions. This variant is not present in population databases (gnomAD no frequency). This sequence change replaces serine, which is neutral and polar, with phenylalanine, which is neutral and non-polar, at codon 324 of the DOLK protein (p.Ser324Phe).